The following is an entry in ClinVar:

ClinVar aggregate classification (germline): Uncertain significance. Review status: criteria provided, multiple submitters, no conflicts (2 of 4 stars). 2 submissions from 2 submitters: Uncertain significance (2). Last evaluated 2023-08-27.

Allele frequency attached by ClinVar (database versions not stated): gnomAD exomes below 0.00001.
gnomAD v4.1: 2 of 1,614,164 alleles (0.00012%); highest among the groups gnomAD compares: Non-Finnish European, 0.000085%; no homozygotes.

Submissions (2):

Labcorp Genetics (formerly Invitae), Labcorp
Classification: Uncertain significance. Last evaluated: 2023-08-27. Review status: criteria provided, single submitter. Criteria: Invitae Variant Classification Sherloc (09022015). Collection method: clinical testing. Allele origin: germline.
Comment: This sequence change replaces valine, which is neutral and non-polar, with alanine, which is neutral and non-polar, at codon 195 of the RP1 protein (p.Val195Ala). This variant is not present in population databases (gnomAD no frequency). This variant has not been reported in the literature in individuals affected with RP1-related conditions. An algorithm developed to predict the effect of missense changes on protein structure and function (PolyPhen-2) suggests that this variant is likely to be disruptive. In summary, the available evidence is currently insufficient to determine the role of this variant in disease. Therefore, it has been classified as a Variant of Uncertain Significance.

Blueprint Genetics
Classification: Uncertain significance. Last evaluated: 2022-03-22. Review status: criteria provided, single submitter. Criteria: ACMG Guidelines, 2015. Collection method: clinical testing. Allele origin: germline.

NM_006269.2(RP1):c.584T>C (p.Val195Ala)

Gene: RP1 (RP1 axonemal microtubule associated; plus strand). Cytogenetic location: 8q12.1.
Variant type: single nucleotide variant.
Coding change: c.584T>C on transcript NM_006269.2 (MANE Select); coding-DNA position 584, T replaced by C.
Protein change: p.Val195Ala; replaces valine 195 with alanine.
Molecular consequence: missense variant.
Genome position (GRCh38, 1-based): chr8:54,621,550, T>C. VCF-style: chr8-54621550-T-C. GRCh37 (hg19) VCF-style: chr8-55534110-T-C.
Other names: c.584T>C, p.Val195Ala (NM_001375654.1); short protein forms V195A.
Identifiers: ClinVar variation 2755671 (VCV002755671.4), dbSNP rs2536558119, ClinGen allele CA370987341.